The following is an entry in ClinVar:

ClinVar aggregate classification (germline): Benign/Likely benign. Review status: criteria provided, multiple submitters, no conflicts (2 of 4 stars). 19 submissions from 19 submitters: Benign (11); Likely benign (4). 4 of the submissions do not count toward it. Last evaluated 2026-01-28.

Conditions:
Microcephaly, normal intelligence and immunodeficiency (NBS). Also called: Nijmegen breakage syndrome; BERLIN BREAKAGE SYNDROME; Ataxia telangiectasia variant V1; SEEMANOVA SYNDROME II; IMMUNODEFICIENCY, MICROCEPHALY, AND CHROMOSOMAL INSTABILITY; Immunodeficiency, microcephaly with normal intelligence. Identifiers: Orphanet 647, MedGen C0398791, MONDO:0009623, OMIM 251260.
Acute lymphoid leukemia (ALL). Also called: Leukemia, acute lymphoblastic, somatic; Lymphoblastic leukemia; Acute lymphoblastic leukemia; Acute lymphocytic leukemia. Identifiers: Orphanet 513, MedGen C0023449, MONDO:0004967, OMIM 613065, HP:0006721.
Aplastic anemia. Identifiers: Orphanet 182040, Orphanet 88, MedGen C0002874, MONDO:0015909, OMIM 609135, HP:0001915.
Hereditary cancer-predisposing syndrome. Also called: Tumor predisposition; Hereditary neoplastic syndrome; Hereditary Cancer Syndrome; Neoplastic Syndromes, Hereditary. Identifiers: Orphanet 140162, MedGen C0027672, MeSH D009386, MONDO:0015356.
Hereditary breast ovarian cancer syndrome. Also called: Hereditary breast and ovarian cancer; Hereditary breast and/or ovarian cancer syndrome; BRCA1- and BRCA2-Associated Hereditary Breast and Ovarian Cancer; Hereditary breast and ovarian cancer syndrome (HBOC); Hereditary breast and ovarian cancer syndrome; Breast and ovarian cancer. Identifiers: Orphanet 145, MedGen C0677776, MeSH D061325, MONDO:0003582. Disease mechanism: loss of function.

Allele frequency attached by ClinVar (database versions not stated): gnomAD exomes 0.00077 and 0.00196; ExAC 0.00243; gnomAD 0.00775 and 0.00830; 1000 Genomes Project 0.00799; 1000 Genomes Project 30x 0.00828; TOPMed 0.00894; ESP Exome Variant Server 0.00900.
gnomAD v4.1: 2,334 of 1,613,746 alleles (0.14%); highest among the groups gnomAD compares: African/African-American, 2.8%; 34 homozygotes.

Submissions (19):

Labcorp Genetics (formerly Invitae), Labcorp
Classification: Benign for Microcephaly, normal intelligence and immunodeficiency. Last evaluated: 2026-01-28. Review status: criteria provided, single submitter. Criteria: Invitae Variant Classification Sherloc (09022015). Collection method: clinical testing. Allele origin: germline.

Dasa
Classification: Likely benign. Last evaluated: 2025-11-25. Review status: criteria provided, single submitter. Criteria: DASA Assertion Criteria. Collection method: clinical testing. Allele origin: germline.
Comment: NM_002485.5(NBN):c.2146A>G (p.Asn716Asp) is a missense variant that results in the substitution of asparagine with aspartic acid. Population frequency is inconsistent with a disease-causing role for this variant, and observations in unaffected individuals support a benign interpretation. Therefore, based on the currently available evidence, this variant is classified as likely benign.

Quest Diagnostics Nichols Institute San Juan Capistrano
Classification: Benign. Last evaluated: 2025-08-14. Review status: criteria provided, single submitter. Criteria: Quest Diagnostics criteria. Collection method: clinical testing. Allele origin: unknown.

ARUP Laboratories, Molecular Genetics and Genomics, ARUP Laboratories
Classification: Benign. Last evaluated: 2025-07-30. Review status: criteria provided, single submitter. Criteria: ARUP Molecular Germline Variant Investigation Process 2024. Collection method: clinical testing. Allele origin: germline.

CeGaT Center for Human Genetics Tuebingen
Classification: Benign. Last evaluated: 2025-03-01. Review status: criteria provided, single submitter. Criteria: CeGaT Center For Human Genetics Tuebingen Variant Classification Criteria Version 2. Collection method: clinical testing. Allele origin: germline. Affected: yes. Observed: 1 variant allele.
Comment: NBN: BS1, BS2

Fulgent Genetics
Classification: Likely benign for Microcephaly, normal intelligence and immunodeficiency; Aplastic anemia; Acute lymphoid leukemia. Last evaluated: 2022-05-25. Review status: criteria provided, single submitter. Criteria: ACMG Guidelines, 2015. Collection method: clinical testing. Allele origin: unknown.

National Health Laboratory Service, Universitas Academic Hospital and University of the Free State
Classification: Benign for Hereditary breast ovarian cancer syndrome. Last evaluated: 2022-04-19. Review status: criteria provided, single submitter. Criteria: ACMG Guidelines, 2015. Collection method: clinical testing. Allele origin: germline. Affected: yes. Observed: 7 variant alleles.

Illumina Laboratory Services, Illumina
Classification: Benign for Microcephaly, normal intelligence and immunodeficiency. Last evaluated: 2018-01-12. Review status: criteria provided, single submitter. Criteria: ICSL Variant Classification Criteria 13 December 2019. Collection method: clinical testing. Allele origin: germline.
Comment: This variant was observed in the ICSL laboratory as part of a predisposition screen in an ostensibly healthy population. It had not been previously curated by ICSL or reported in the Human Gene Mutation Database (HGMD: prior to June 1st, 2018), and was therefore a candidate for classification through an automated scoring system. Utilizing variant allele frequency, disease prevalence and penetrance estimates, and inheritance mode, an automated score was calculated to assess if this variant is too frequent to cause the disease. Based on the score and internal cut-off values, a variant classified as benign is not then subjected to further curation. The score for this variant resulted in a classification of benign for this disease.

PreventionGenetics, part of Exact Sciences
Classification: Benign. Last evaluated: 2017-09-27. Review status: criteria provided, single submitter. Criteria: ACMG Guidelines, 2015. Collection method: clinical testing. Allele origin: germline.

Women's Health and Genetics/Laboratory Corporation of America, LabCorp
Classification: Benign. Last evaluated: 2016-05-02. Review status: criteria provided, single submitter. Criteria: LabCorp Variant Classification Summary - May 2015. Collection method: clinical testing. Allele origin: germline.
Comment: Variant summary: The c.2146A>G variant affects a conserved nucleotide, resulting in amino acid change from Asn to Asp. 3/4 in-silico tools predict this variant to be benign. This variant is found in 295/121388 control chromosomes (including 5 homozygotes) at a frequency of 0.0024302. It was predominantly observed in the African subpopulation at a frequency of 2.7% including 5 homozygous occurrences. This frequency significantly exceeds the maximal expected allele frequency for a pathogenic variant in NBN (0.25%), suggesting this is a benign polymorphism found primarily in population(s) of African origin. In addition, multiple clinical laboratories have classified this variant as benign/likely benign. Taken together, this variant has been classified as Benign.

Vantari Genetics
Classification: Likely benign for Hereditary cancer-predisposing syndrome. Last evaluated: 2016-02-04. Review status: criteria provided, single submitter. Criteria: ACMG Guidelines, 2015. Collection method: clinical testing. Allele origin: germline.

Genetic Services Laboratory, University of Chicago
Classification: Benign. Last evaluated: 2015-08-19. Review status: criteria provided, single submitter. Criteria: ACMG Guidelines, 2015. Collection method: clinical testing. Allele origin: germline. Affected: no.

Ambry Genetics
Classification: Benign for Hereditary cancer-predisposing syndrome. Last evaluated: 2014-07-28. Review status: criteria provided, single submitter. Criteria: Ambry Variant Classification Scheme 2023. Collection method: clinical testing. Allele origin: germline.

GeneDx
Classification: Benign. Last evaluated: 2013-10-23. Review status: criteria provided, single submitter. Criteria: GeneDx Variant Classification (06012015). Collection method: clinical testing. Allele origin: germline. Affected: yes.
Comment: This variant is considered likely benign or benign based on one or more of the following criteria: it is a conservative change, it occurs at a poorly conserved position in the protein, it is predicted to be benign by multiple in silico algorithms, and/or has population frequency not consistent with disease.

Breakthrough Genomics
Classification: Likely benign. Review status: criteria provided, single submitter. Criteria: ACMG Guidelines, 2015. Collection method: not provided. Allele origin: germline. Inheritance: Autosomal recessive inheritance. Affected: yes.

Natera, Inc.
Classification: Likely benign for Nijmegen breakage syndrome. Last evaluated: 2019-10-31. Review status: no assertion criteria provided. Collection method: clinical testing. Allele origin: germline. Not counted in ClinVar's aggregate classification.

True Health Diagnostics
Classification: Likely benign for Hereditary cancer-predisposing syndrome. Last evaluated: 2017-09-11. Review status: no assertion criteria provided. Collection method: clinical testing. Allele origin: germline. Not counted in ClinVar's aggregate classification.

ITMI
No classification provided. Condition: AllHighlyPenetrant. Last evaluated: 2013-09-19. Review status: no classification provided. Collection method: reference population. Allele origin: germline. Not counted in ClinVar's aggregate classification.
Comment: Please see associated publication for description of ethnicities

Department of Pathology and Laboratory Medicine, Sinai Health System
Classification: Benign. Review status: no assertion criteria provided. Collection method: clinical testing. Allele origin: unknown. Affected: yes. Observed: 1 variant allele. Study: The Canadian Open Genetics Repository (COGR). Not counted in ClinVar's aggregate classification.
Comment: The NBN p.Asn716Asp variant was identified in 1 of 164 proband chromosomes (frequency: 0.006) from individuals or families with cancer and was present in 5 of 1362 control chromosomes (frequency: 0.004) from healthy individuals (Wang 2013, Bodian 2014). The variant was also identified in the following databases: dbSNP (ID: rs72563785) as "With other allele", ClinVar (5x benign, 1x uncertain significance), Clinvitae, and Zhejiang Colon Cancer Database. The variant was not identified in the Cosmic or LOVD 3.0 databases. The variant was identified in control databases in 716 of 277088 chromosomes at a frequency of 0.003 increasing the likelihood this could be a low frequency benign variant (Genome Aggregation Consortium Feb 27, 2017). The variant was identified in the following populations at a frequency greater than 1%: African in 651 of 24032 chromosomes (freq: 0.03). The p.Asn716 residue is conserved in mammals but not in more distantly related organisms. However four out of five computational analyses (PolyPhen-2, SIFT, AlignGVGD, BLOSUM, MutationTaster) do not suggest a high likelihood of impact to the protein; this information is not predictive enough to rule out pathogenicity. The variant occurs outside of the splicing consensus sequence and in silico or computational prediction software programs (SpliceSiteFinder, MaxEntScan, NNSPLICE, GeneSplicer, HumanSpliceFinder) do not predict a difference in splicing. In summary, based on the above information this variant meets our laboratory's criteria to be classified as benign.

Literature cited by the submitters: PubMed 25980754 (cited by Quest Diagnostics Nichols Institute San Juan Capistrano); PubMed 24728327 (cited by 3 submitters); PubMed 24349281 (cited by Quest Diagnostics Nichols Institute San Juan Capistrano and Women's Health and Genetics/Laboratory Corporation of America, LabCorp).

NM_002485.5(NBN):c.2146A>G (p.Asn716Asp)

Gene: NBN (nibrin; minus strand). Cytogenetic location: 8q21.3.
Variant type: single nucleotide variant.
Coding change: c.2146A>G on transcript NM_002485.5 (MANE Select); coding-DNA position 2146, A replaced by G.
Protein change: p.Asn716Asp; replaces asparagine 716 with aspartic acid.
Molecular consequence: missense variant.
Genome position (GRCh38, 1-based): chr8:89,943,291, T>C on the plus strand (A>G on the coding strand, the complement: NBN is on the minus strand). VCF-style: chr8-89943291-T-C. GRCh37 (hg19) VCF-style: chr8-90955519-T-C.
Other names: p.N716D:AAT>GAT; NP_002476.2:p.Asn716Asp; c.1900A>G, p.Asn634Asp (NM_001024688.3); short protein forms N716D, N634D.
Identifiers: ClinVar variation 134874 (VCV000134874.60), dbSNP rs72563785, ClinGen allele CA160972.